The following is an entry in ClinVar:

ClinVar aggregate classification (germline): Uncertain significance (1 of 4 stars; one submission).

Submission:

Department of Pediatric Genetics, University of Health Sciences, Ankara Bilkent City Children’s Hospital
Classification: Uncertain significance. Last evaluated: 2024-12-01. Review status: criteria provided, single submitter. Criteria: ACMG/ClinGen CNV Guidelines, 2019. Collection method: clinical testing. Allele origin: de novo. Affected: yes.
Comment: This copy number gain at 10q11.22 was classified as a variant of uncertain significance (VUS) because none of the encompassed genes (NPY4R, GPRIN2, SYT15, PTPN20) have established evidence for triplosensitivity, and there are no consistent case reports linking duplications of this region with a well-defined clinical phenotype. According to the ACMG/ClinGen CNV 2019 guidelines, such duplications without dosage-sensitive genes or robust phenotype correlations typically score within the range of −0.89 to +0.89 points, supporting a VUS classification

GRCh38/hg38 10q11.22(chr10:46134898-47175113)x3

Genes: ANTXRL (ANTXR like; plus strand), ANXA8L1 (annexin A8 like 1; plus strand), FAM245B (family with sequence similarity 245 member B; plus strand), GPRIN2 (G protein regulated inducer of neurite outgrowth 2), LINC00842 (long intergenic non-protein coding RNA 842; plus strand) and 12 more. Cytogenetic location: 10q11.22.
Variant type: copy number gain.
Change: copy number 3 (three copies instead of two) of chr10:46,134,898-47,175,113 (1.04 Mb, GRCh38 coordinates, 1-based), cytogenetic band 10q11.22.
Identifiers: ClinVar variation 4082201 (VCV004082201.1).